The following is an entry in ClinVar:

ClinVar aggregate classification (germline): Likely benign. Review status: criteria provided, single submitter (1 of 4 stars). 2 submissions from 2 submitters: Likely benign (1). 1 of the submissions does not count toward it. Last evaluated 2024-04-23.

Conditions:
FAM111A-related disorder. Also called: FAM111A-related condition.

Allele frequency attached by ClinVar (database versions not stated): gnomAD 0.00001; TOPMed 0.00001; gnomAD exomes 0.00002.

Submissions (2):

Labcorp Genetics (formerly Invitae), Labcorp
Classification: Likely benign. Last evaluated: 2024-04-23. Review status: criteria provided, single submitter. Criteria: Invitae Variant Classification Sherloc (09022015). Collection method: clinical testing. Allele origin: germline.

PreventionGenetics, part of Exact Sciences
Classification: Likely benign for FAM111A-related condition. Last evaluated: 2023-03-14. Review status: no assertion criteria provided. Collection method: clinical testing. Allele origin: germline. Not counted in ClinVar's aggregate classification.
Comment: This variant is classified as likely benign based on ACMG/AMP sequence variant interpretation guidelines (Richards et al. 2015 PMID: 25741868, with internal and published modifications).

NM_001312909.2(FAM111A):c.1257C>T (p.Asp419=)

Gene: FAM111A (FAM111 trypsin like peptidase A; plus strand). Cytogenetic location: 11q12.1.
Variant type: single nucleotide variant.
Coding change: c.1257C>T on transcript NM_001312909.2 (MANE Select); coding-DNA position 1257, C replaced by T.
Protein change: p.Asp419=; no amino-acid change (aspartic acid 419 retained).
Molecular consequence: synonymous variant.
Genome position (GRCh38, 1-based): chr11:59,152,925, C>T. VCF-style: chr11-59152925-C-T. GRCh37 (hg19) VCF-style: chr11-58920398-C-T.
Other names: c.1257C>T, p.Asp419= (NM_001142519.3, NM_001142520.3, NM_001142521.3 and 29 more transcripts); c.1257C>T (NM_022074.3).
Identifiers: ClinVar variation 2053761 (VCV002053761.6), dbSNP rs910464497, ClinGen allele CA223177987.